The following is an entry in ClinVar:

ClinVar aggregate classification (germline): Likely pathogenic (1 of 4 stars; one submission).

Conditions:
Neurodevelopmental disorder with hypotonia, neuropathy, and deafness (NEDHND). Also called: Myopathy, congenital, with neuropathy and deafness; SPTBN4 Disorder. Identifiers: MedGen C4479603, MONDO:0060496, OMIM 617519.

Submission:

Neuberg Centre For Genomic Medicine, NCGM
Classification: Likely pathogenic for Neurodevelopmental disorder with hypotonia, neuropathy, and deafness. Review status: criteria provided, single submitter. Criteria: ACMG Guidelines, 2015. Collection method: clinical testing. Allele origin: germline. Affected: yes.
Comment: The frameshift deletion p.A633Qfs*110 in SPTBN4 (NM_020971.2) has not been reported previously as a pathogenic variant nor as a benign variant, to our knowledge. The p.A633Qfs*110 variant is novel (not in any individuals) in gnomAD Exomes and is novel (not in any individuals) in 1000 Genomes. This variant is predicted to cause loss of normal protein function through protein truncation caused by a frameshift mutation. The gene is intolerant to loss of function (pLI=1) and majority of reported mutations till date are either nonsense of frameshift mutations.

NM_020971.3(SPTBN4):c.1897del (p.Ala633fs)

Gene: SPTBN4 (spectrin beta, non-erythrocytic 4; plus strand). Cytogenetic location: 19q13.2.
Variant type: Deletion.
Coding change: c.1897del on transcript NM_020971.3 (MANE Select); coding-DNA position 1897, one base deleted (G; older notation c.1897delG).
Protein change: p.Ala633fs; shifts the reading frame from alanine 633.
Molecular consequence: frameshift variant.
Genome position (GRCh38, 1-based): chr19:40,512,686, G deleted; the last of 2 consecutive G bases (chr19:40,512,685-40,512,686); deleting either gives the same sequence. VCF-style (leftmost placement, unchanged base first): chr19-40512684-AG-A. GRCh37 (hg19) VCF-style: chr19-41018591-AG-A.
Other names: short protein forms A633fs.
Identifiers: ClinVar variation 1878626 (VCV001878626.1), dbSNP rs2515027089, ClinGen allele CA2580097255.